The following is an entry in ClinVar:

NM_001110556.2(FLNA):c.5930A>G (p.Glu1977Gly)

Gene: FLNA (filamin A; minus strand). Cytogenetic location: Xq28.
Variant type: single nucleotide variant.
Coding change: c.5930A>G on transcript NM_001110556.2 (MANE Select); coding-DNA position 5930, A replaced by G.
Protein change: p.Glu1977Gly; replaces glutamic acid 1977 with glycine.
Molecular consequence: missense variant.
Genome position (GRCh38, 1-based): chrX:154,353,388, T>C on the plus strand (A>G on the coding strand, the complement: FLNA is on the minus strand). VCF-style: chrX-154353388-T-C. GRCh37 (hg19) VCF-style: chrX-153581756-T-C.
Other names: c.5906A>G, p.Glu1969Gly (NM_001456.4); short protein forms E1969G, E1977G.
Identifiers: ClinVar variation 4783910 (VCV004783910.1).

ClinVar aggregate classification (germline): Uncertain significance (1 of 4 stars; one submission).

Conditions:
Heterotopia, periventricular, X-linked dominant (PVNH1). Also called: PERIVENTRICULAR NODULAR HETEROTOPIA 4; HETEROTOPIA, PERIVENTRICULAR, 1; PERIVENTRICULAR NODULAR HETEROTOPIA 1; X-linked periventricular heterotopia. Identifiers: Orphanet 2149, Orphanet 82004, MedGen C1848213, MONDO:0010233, OMIM 300049.
Oto-palato-digital syndrome, type II (OPD2). Also called: Otopalatodigital Syndrome, Type II; FACIOPALATOOSSEOUS SYNDROME; OPD II SYNDROME; Otopalatodigital Syndrome Type 2 (FLNA-OPD2). Identifiers: Orphanet 669, Orphanet 90652, MedGen C1844696, MONDO:0010571, OMIM 304120.
Melnick-Needles syndrome (MNS). Also called: MELNICK-NEEDLES OSTEODYSPLASTY; OSTEODYSPLASTY OF MELNICK AND NEEDLES; Melnick-Needles Syndrome (FLNA-MNS). Identifiers: Orphanet 2484, MedGen C0025237, MONDO:0010650, OMIM 309350.
Frontometaphyseal dysplasia (FMD1). Identifiers: Orphanet 1826, MedGen C0265293, MONDO:0015942.

gnomAD v4.1: 4 of 1,211,607 alleles (0.00033%); highest among the groups gnomAD compares: Non-Finnish European, 0.00045%; no homozygotes.

Submission:

Labcorp Genetics (formerly Invitae), Labcorp
Classification: Uncertain significance for Oto-palato-digital syndrome, type II; Heterotopia, periventricular, X-linked dominant; Frontometaphyseal dysplasia; Melnick-Needles syndrome. Last evaluated: 2025-04-08. Review status: criteria provided, single submitter. Criteria: Invitae Variant Classification Sherloc (09022015). Collection method: clinical testing. Allele origin: germline.
Comment: This sequence change replaces glutamic acid, which is acidic and polar, with glycine, which is neutral and non-polar, at codon 1969 of the FLNA protein (p.Glu1969Gly). This variant is not present in population databases (gnomAD no frequency). This variant has not been reported in the literature in individuals affected with FLNA-related conditions. Invitae Evidence Modeling of protein sequence and biophysical properties (such as structural, functional, and spatial information, amino acid conservation, physicochemical variation, residue mobility, and thermodynamic stability) indicates that this missense variant is not expected to disrupt FLNA protein function with a negative predictive value of 95%. In summary, the available evidence is currently insufficient to determine the role of this variant in disease. Therefore, it has been classified as a Variant of Uncertain Significance.